The following is an entry in ClinVar:

NM_000540.3(RYR1):c.13613G>A (p.Gly4538Glu)

Gene: RYR1 (ryanodine receptor 1; plus strand). Cytogenetic location: 19q13.2.
Variant type: single nucleotide variant.
Coding change: c.13613G>A on transcript NM_000540.3 (MANE Select); coding-DNA position 13613, G replaced by A.
Protein change: p.Gly4538Glu; replaces glycine 4538 with glutamic acid.
Molecular consequence: missense variant.
Genome position (GRCh38, 1-based): chr19:38,567,871, G>A. VCF-style: chr19-38567871-G-A. GRCh37 (hg19) VCF-style: chr19-39058511-G-A.
Other names: c.13598G>A, p.Gly4533Glu (NM_001042723.2); short protein forms G4533E, G4538E.
Identifiers: ClinVar variation 3069941 (VCV003069941.1), dbSNP rs1345267538, ClinGen allele CA405677987.

ClinVar aggregate classification (germline): Uncertain significance (1 of 4 stars; one submission).

Conditions:
Malignant hyperthermia, susceptibility to, 1 (MHS1). Also called: RYR1-Related Malignant Hyperthermia Susceptibility; Anesthesia related hyperthermia; Malignant hyperpyrexia; Fulminating hyperpyrexia; Pharmacogenic myopathy; Malignant hyperthermia suceptibility 1. Identifiers: Orphanet 423, MedGen C2930980, MONDO:0007783, OMIM 145600.

Submission:

All of Us Research Program, National Institutes of Health
Classification: Uncertain significance for Malignant hyperthermia, susceptibility to, 1. Last evaluated: 2023-03-23. Review status: criteria provided, single submitter. Criteria: ACMG Guidelines, 2015. Collection method: clinical testing. Allele origin: germline. Inheritance: Autosomal dominant inheritance. Observed: 1 variant allele, 1 heterozygote.
Comment: This missense variant replaces glycine with glutamic acid at codon 4538 of the RYR1 protein. Computational prediction suggests that this variant may not impact protein structure and function (internally defined REVEL score threshold <= 0.5, PMID: 27666373). To our knowledge, functional studies have not been reported for this variant. This variant has not been reported in individuals affected with RYR1-related disorders in the literature. This variant has not been identified in the general population by the Genome Aggregation Database (gnomAD). The available evidence is insufficient to determine the role of this variant in disease conclusively. Therefore, this variant is classified as a Variant of Uncertain Significance.

This study involves interpretation of variants in research participants for the purpose of population health screening. Participant phenotype was not available at the time of variant classification. Additional details can be found in publication PMID: 35346344, PMCID: PMC8962531